The following is an entry in ClinVar:

NM_001401501.2(MUC16):c.35565A>C (p.Pro11855=)

Gene: MUC16 (mucin 16, cell surface associated; minus strand). Cytogenetic location: 19p13.2.
Variant type: single nucleotide variant.
Coding change: c.35565A>C on transcript NM_001401501.2 (MANE Select); coding-DNA position 35565, A replaced by C.
Protein change: p.Pro11855=; no amino-acid change (proline 11855 retained).
Molecular consequence: synonymous variant.
Genome position (GRCh38, 1-based): chr19:8,935,510, T>G on the plus strand (A>C on the coding strand, the complement: MUC16 is on the minus strand). VCF-style: chr19-8935510-T-G. GRCh37 (hg19) VCF-style: chr19-9046186-T-G.
Other names: c.35991A>C, p.Pro11997= (NM_001414686.1); c.35445A>C, p.Pro11815= (NM_001414687.1, NM_024690.2).
Identifiers: ClinVar variation 2649228 (VCV002649228.25), dbSNP rs141108729, ClinGen allele CA9166034.

ClinVar aggregate classification (germline): Likely benign. Review status: criteria provided, single submitter (1 of 4 stars). 2 submissions from 2 submitters: Likely benign (1). 1 of the submissions does not count toward it. Last evaluated 2022-03-01.

Conditions:
MUC16-related disorder. Also called: MUC16-related condition.

Allele frequency attached by ClinVar (database versions not stated): 1000 Genomes Project 0.00080; 1000 Genomes Project 30x 0.00094; ESP Exome Variant Server 0.00145; TOPMed 0.00148; gnomAD 0.00153; ExAC 0.00158; gnomAD exomes 0.00184.

Submissions (2):

CeGaT Center for Human Genetics Tuebingen
Classification: Likely benign. Last evaluated: 2022-03-01. Review status: criteria provided, single submitter. Criteria: CeGaT Center For Human Genetics Tuebingen Variant Classification Criteria Version 2. Collection method: clinical testing. Allele origin: germline. Affected: yes. Observed: 1 variant allele.
Comment: MUC16: BP4, BP7

PreventionGenetics, part of Exact Sciences
Classification: Benign for MUC16-related condition. Last evaluated: 2019-08-21. Review status: no assertion criteria provided. Collection method: clinical testing. Allele origin: germline. Not counted in ClinVar's aggregate classification.
Comment: This variant is classified as benign based on ACMG/AMP sequence variant interpretation guidelines (Richards et al. 2015 PMID: 25741868, with internal and published modifications).